The following is an entry in ClinVar:

ClinVar aggregate classification (germline): Benign (1 of 4 stars; one submission).

Allele frequency attached by ClinVar (database versions not stated): gnomAD 0.02091 and 0.01941; 1000 Genomes Project 0.02097; TOPMed 0.02200; 1000 Genomes Project 30x 0.02311.
gnomAD v4.1: 3,940 of 694,668 alleles (0.57%); highest among the groups gnomAD compares: African/African-American, 6.5%; 105 homozygotes.

Submission:

GeneDx
Classification: Benign. Last evaluated: 2018-06-18. Review status: criteria provided, single submitter. Criteria: GeneDx Variant Classification (06012015). Collection method: clinical testing. Allele origin: germline. Affected: yes.
Comment: This variant is considered likely benign or benign based on one or more of the following criteria: it is a conservative change, it occurs at a poorly conserved position in the protein, it is predicted to be benign by multiple in silico algorithms, and/or has population frequency not consistent with disease.

NM_001267550.2(TTN):c.33743-148C>T

Gene: TTN (titin; minus strand). Cytogenetic location: 2q31.2.
Variant type: single nucleotide variant.
Coding change: c.33743-148C>T on transcript NM_001267550.2 (MANE Select); 148 bases into the intron before coding-DNA position 33743, C replaced by T.
Molecular consequence: intron variant.
Genome position (GRCh38, 1-based): chr2:178,678,978, G>A on the plus strand (C>T on the coding strand, the complement: TTN is on the minus strand). VCF-style: chr2-178678978-G-A. GRCh37 (hg19) VCF-style: chr2-179543705-G-A.
Other names: c.13283-36661C>T (NM_003319.4); c.13859-36661C>T (NM_133437.4); c.13658-36661C>T (NM_133432.3); c.30011-148C>T (NM_133378.4); c.32792-148C>T (NM_001256850.1).
Identifiers: ClinVar variation 672998 (VCV000672998.1), dbSNP rs73973135, ClinGen allele CA60982775.